The following is an entry in ClinVar:

NM_138694.4(PKHD1):c.2133del (p.Asn711fs)

Gene: PKHD1 (PKHD1 ciliary IPT domain containing fibrocystin/polyductin; minus strand). Cytogenetic location: 6p12.2.
Variant type: Deletion.
Coding change: c.2133del on transcript NM_138694.4 (MANE Select); coding-DNA position 2133, one base deleted (C; older notation c.2133delC).
Protein change: p.Asn711fs; shifts the reading frame from asparagine 711.
Molecular consequence: frameshift variant.
Genome position (GRCh38, 1-based): chr6:52,053,083, G deleted on the plus strand (C on the coding strand, the reverse complement: PKHD1 is on the minus strand). VCF-style (leftmost placement, unchanged base first): chr6-52053082-CG-C. GRCh37 (hg19) VCF-style: chr6-51917880-CG-C.
Other names: c.2133del, p.Asn711fs (NM_170724.3); short protein forms N711fs.
Identifiers: ClinVar variation 4816599 (VCV004816599.1).

ClinVar aggregate classification (germline): Likely pathogenic (1 of 4 stars; one submission).

Conditions:
Autosomal recessive polycystic kidney disease (ARPKD). Also called: AR polycystic kidney disease. Identifiers: Orphanet 731, Orphanet 8378, MedGen C0085548, MeSH D017044, MONDO:0009889.

Submission:

Natera, Inc.
Classification: Likely pathogenic for Autosomal recessive polycystic kidney disease. Last evaluated: 2025-05-12. Review status: criteria provided, single submitter. Criteria: Natera Variant Classification Schema (03/2026). Collection method: clinical testing. Allele origin: germline.
Comment: The c.2133delC variant in PKHD1 is a frameshift variant predicted to shift the reading frame beginning at codon 711 and leads to a stop codon 2 codons downstream. This variant is expected to result in nonsense mediated decay, truncation, or a dysfunctional protein product. This variant is rare in the general population with a frequency below the threshold expected for the associated phenotype(s). Given the available evidence, this variant is classified as Likely Pathogenic.